The following is an entry in ClinVar:

NC_000004.11:g.(?_1795662)_(3495228_?)del

Genes: ADD1 (adducin 1; plus strand), DOK7 (docking protein 7; plus strand), FAM193A (family with sequence similarity 193 member A; plus strand), FGFR3 (fibroblast growth factor receptor 3; plus strand), GRK4 (G protein-coupled receptor kinase 4; plus strand) and 18 more. Cytogenetic location: 4p16.3.
Variant type: Deletion.
Identifiers: ClinVar variation 3246727 (VCV003246727.1).

ClinVar aggregate classification (germline): Pathogenic (1 of 4 stars; one submission).

Submission:

Labcorp Genetics (formerly Invitae), Labcorp
Classification: Pathogenic. Last evaluated: 2022-09-02. Review status: criteria provided, single submitter. Criteria: Invitae Variant Classification Sherloc (09022015). Collection method: clinical testing. Allele origin: unknown.
Comment: For these reasons, this variant has been classified as Pathogenic. This variant has not been reported in the literature in individuals affected with HTT-related conditions. A gross deletion of the genomic region encompassing the full coding sequence of the HTT gene has been identified. Loss-of-function variants in HTT are known to be pathogenic (PMID: 7550343, 7618107, 7774020, 27329733). The boundaries of this event are unknown as they extend beyond the assayed region for this gene and therefore may encompass additional genes.

Literature cited by the submitters: PubMed 7550343; PubMed 7618107; PubMed 7774020; PubMed 27329733.